The following is an entry in ClinVar:

NM_001012720.2(RGR):c.745G>C (p.Val249Leu)

Gene: RGR (retinal G protein coupled receptor; plus strand). Cytogenetic location: 10q23.1.
Variant type: single nucleotide variant.
Coding change: c.745G>C on transcript NM_001012720.2 (MANE Select); coding-DNA position 745, G replaced by C.
Protein change: p.Val249Leu; replaces valine 249 with leucine.
Molecular consequence: missense variant.
Genome position (GRCh38, 1-based): chr10:84,258,508, G>C. VCF-style: chr10-84258508-G-C. GRCh37 (hg19) VCF-style: chr10-86018264-G-C.
Other names: c.631G>C, p.Val211Leu (NM_001012722.2); c.757G>C, p.Val253Leu (NM_002921.4); short protein forms V249L, V211L, V253L.
Identifiers: ClinVar variation 1415256 (VCV001415256.6), dbSNP rs755518071, ClinGen allele CA377392285.
Genomic context (GRCh38, chr10:84,258,508, plus strand): 5'-AGACCAGAGAGAGGATCAGTGGCTTTGAAGCTTCTTTTCTGGACTTTTCTGCCACAACAG[G>C]TGCCCGCCCTCATTGCCAAAATGGTGCCCACGATCAATGCCATCAACTATGCCCTGGGCA-3'
Protein context (NP_001012738.1, residues 239-259): VTSISPKLQM[Val249Leu]PALIAKMVPT

ClinVar aggregate classification (germline): Uncertain significance (1 of 4 stars; one submission).

gnomAD v4.1: 1 of 1,614,184 alleles (0.000062%); highest among the groups gnomAD compares: South Asian, 0.0011%; no homozygotes.

Submission:

Labcorp Genetics (formerly Invitae), Labcorp
Classification: Uncertain significance. Last evaluated: 2021-11-14. Review status: criteria provided, single submitter. Criteria: Invitae Variant Classification Sherloc (09022015). Collection method: clinical testing. Allele origin: germline.
Comment: Algorithms developed to predict the effect of missense changes on protein structure and function are either unavailable or do not agree on the potential impact of this missense change (SIFT: "Deleterious"; PolyPhen-2: "Not Available"; Align-GVGD: "Class C0"). This variant has not been reported in the literature in individuals affected with RGR-related conditions. This variant is not present in population databases (gnomAD no frequency). This sequence change replaces valine, which is neutral and non-polar, with leucine, which is neutral and non-polar, at codon 249 of the RGR protein (p.Val249Leu). In summary, the available evidence is currently insufficient to determine the role of this variant in disease. Therefore, it has been classified as a Variant of Uncertain Significance. Algorithms developed to predict the effect of sequence changes on RNA splicing suggest that this variant may disrupt the consensus splice site.